The following is an entry in ClinVar:

NM_001042517.2(DIAPH3):c.583T>A (p.Cys195Ser)

Genes: DIAPH3 (diaphanous related formin 3; minus strand), DIAPH3-AS1 (DIAPH3 antisense RNA 1; plus strand). Cytogenetic location: 13q21.2.
Variant type: single nucleotide variant.
Coding change: c.583T>A on transcript NM_001042517.2 (MANE Select); coding-DNA position 583, T replaced by A.
Protein change: p.Cys195Ser; replaces cysteine 195 with serine.
Molecular consequence: missense variant. On other transcripts: non-coding transcript variant (4).
Genome position (GRCh38, 1-based): chr13:60,042,733, A>T on the plus strand (T>A on the coding strand, the complement: DIAPH3 is on the minus strand). VCF-style: chr13-60042733-A-T. GRCh37 (hg19) VCF-style: chr13-60616867-A-T.
Other names: c.550T>A, p.Cys184Ser (NM_001258366.2); c.445T>A, p.Cys149Ser (NM_001258367.2); c.373T>A, p.Cys125Ser (NM_001258368.2); c.583T>A, p.Cys195Ser (NM_001258369.2); short protein forms C125S, C149S, C184S, C195S.
Identifiers: ClinVar variation 1308054 (VCV001308054.2), dbSNP rs756116902, ClinGen allele CA6996973.

ClinVar aggregate classification (germline): Uncertain significance (1 of 4 stars; one submission).

Allele frequency attached by ClinVar (database versions not stated): gnomAD exomes 0.00001; ExAC 0.00002.
gnomAD v4.1: 10 of 1,613,790 alleles (0.00062%); highest among the groups gnomAD compares: African/African-American, 0.0013%; no homozygotes.

Submission:

GeneDx
Classification: Uncertain significance. Last evaluated: 2019-08-19. Review status: criteria provided, single submitter. Criteria: GeneDx Variant Classification Process June 2021. Collection method: clinical testing. Allele origin: germline. Affected: yes.
Comment: In silico analysis, which includes protein predictors and evolutionary conservation, supports a deleterious effect; Has not been previously published as pathogenic or benign to our knowledge